The following is an entry in ClinVar:

ClinVar aggregate classification (germline): Uncertain significance (1 of 4 stars; one submission).

Submission:

Labcorp Genetics (formerly Invitae), Labcorp
Classification: Uncertain significance. Last evaluated: 2022-10-26. Review status: criteria provided, single submitter. Criteria: Invitae Variant Classification Sherloc (09022015). Collection method: clinical testing. Allele origin: germline.
Comment: This sequence change falls in intron 2 of the BEST1 gene. It does not directly change the encoded amino acid sequence of the BEST1 protein. It affects a nucleotide within the consensus splice site. This variant is not present in population databases (gnomAD no frequency). This variant has not been reported in the literature in individuals affected with BEST1-related conditions. Variants that disrupt the consensus splice site are a relatively common cause of aberrant splicing (PMID: 17576681, 9536098). Algorithms developed to predict the effect of sequence changes on RNA splicing suggest that this variant is not likely to affect RNA splicing. In summary, the available evidence is currently insufficient to determine the role of this variant in disease. Therefore, it has been classified as a Variant of Uncertain Significance.

Literature cited by the submitters: PubMed 17576681; PubMed 9536098.

NM_004183.4(BEST1):c.153-3C>T

Gene: BEST1 (bestrophin 1; plus strand). Cytogenetic location: 11q12.3.
Variant type: single nucleotide variant.
Coding change: c.153-3C>T on transcript NM_004183.4 (MANE Select); 3 bases into the intron before coding-DNA position 153, C replaced by T.
Molecular consequence: intron variant.
Genome position (GRCh38, 1-based): chr11:61,955,104, C>T. VCF-style: chr11-61955104-C-T. GRCh37 (hg19) VCF-style: chr11-61722576-C-T.
Other names: c.153-3C>T (NM_001363592.2, NM_001440571.1, NM_001440572.1 and 1 more transcripts); c.-28-3C>T (NM_001139443.3, NM_001300787.2, NM_001440574.1 and 3 more transcripts).
Identifiers: ClinVar variation 2036811 (VCV002036811.4), dbSNP rs2541353299, ClinGen allele CA2580084367.